The following is an entry in ClinVar:

NM_000179.3(MSH6):c.2292T>C (p.Thr764=)

Gene: MSH6 (mutS homolog 6; plus strand). Cytogenetic location: 2p16.3.
Variant type: single nucleotide variant.
Coding change: c.2292T>C on transcript NM_000179.3 (MANE Select); coding-DNA position 2292, T replaced by C.
Protein change: p.Thr764=; no amino-acid change (threonine 764 retained).
Molecular consequence: synonymous variant.
Genome position (GRCh38, 1-based): chr2:47,800,275, T>C. VCF-style: chr2-47800275-T-C. GRCh37 (hg19) VCF-style: chr2-48027414-T-C.
Other names: c.1902T>C, p.Thr634= (NM_001281492.2); c.1386T>C, p.Thr462= (NM_001281493.2, NM_001281494.2).
Identifiers: ClinVar variation 479952 (VCV000479952.23), dbSNP rs1553413668, ClinGen allele CA426121431.

ClinVar aggregate classification (germline): Benign/Likely benign. Review status: criteria provided, multiple submitters, no conflicts (2 of 4 stars). 6 submissions from 6 submitters: Benign (1); Likely benign (5). Last evaluated 2025-11-13.

Conditions:
Lynch syndrome. Identifiers: Orphanet 144, MedGen C4552100, MONDO:0005835. Disease mechanism: loss of function.
Hereditary nonpolyposis colorectal neoplasms. Identifiers: MedGen C0009405, MeSH D003123.
Hereditary cancer-predisposing syndrome. Also called: Hereditary Cancer Syndrome; Neoplastic Syndromes, Hereditary; Tumor predisposition; Hereditary neoplastic syndrome. Identifiers: Orphanet 140162, MedGen C0027672, MeSH D009386, MONDO:0015356.
Lynch syndrome 5 (LYNCH5). Also called: Colorectal cancer, hereditary nonpolyposis, type 5; Hereditary non-polyposis colorectal cancer, type 5. Identifiers: Orphanet 144, MedGen C1833477, MONDO:0013710, OMIM 614350. Disease mechanism: loss of function.

gnomAD v4.1: 1 of 1,614,196 alleles (0.000062%); highest among the groups gnomAD compares: Non-Finnish European, 0.000085%; no homozygotes.

Submissions (6):

Labcorp Genetics (formerly Invitae), Labcorp
Classification: Likely benign for Hereditary nonpolyposis colorectal neoplasms. Last evaluated: 2025-11-13. Review status: criteria provided, single submitter. Criteria: Invitae Variant Classification Sherloc (09022015). Collection method: clinical testing. Allele origin: germline.

Myriad Genetics, Inc.
Classification: Benign for Lynch syndrome 5. Last evaluated: 2024-12-30. Review status: criteria provided, single submitter. Criteria: Myriad Autosomal Dominant, Autosomal Recessive and X-Linked Classification Criteria (2023). Collection method: clinical testing. Allele origin: unknown.
Comment: This variant is considered benign. This variant is a silent/synonymous amino acid change and it is not expected to impact splicing.

All of Us Research Program, National Institutes of Health
Classification: Likely benign for Lynch syndrome. Last evaluated: 2023-09-17. Review status: criteria provided, single submitter. Criteria: ACMG Guidelines, 2015. Collection method: clinical testing. Allele origin: germline. Inheritance: Autosomal dominant inheritance. Observed: 1 variant allele, 1 heterozygote.
Comment: This study involves interpretation of variants in research participants for the purpose of population health screening. Participant phenotype was not available at the time of variant classification. Additional details can be found in publication PMID: 35346344, PMCID: PMC8962531

ARUP Laboratories, Molecular Genetics and Genomics, ARUP Laboratories
Classification: Likely benign. Last evaluated: 2019-10-14. Review status: criteria provided, single submitter. Criteria: ARUP Molecular Germline Variant Investigation Process. Collection method: clinical testing. Allele origin: germline.

Color Diagnostics, LLC DBA Color Health
Classification: Likely benign for Hereditary cancer-predisposing syndrome. Last evaluated: 2017-11-20. Review status: criteria provided, single submitter. Criteria: ACMG Guidelines, 2015. Collection method: clinical testing. Allele origin: germline.

Ambry Genetics
Classification: Likely benign for Hereditary cancer-predisposing syndrome. Last evaluated: 2017-01-26. Review status: criteria provided, single submitter. Criteria: Ambry Variant Classification Scheme 2023. Collection method: clinical testing. Allele origin: germline.